The following is an entry in ClinVar:

ClinVar aggregate classification (germline): Uncertain significance. Review status: criteria provided, multiple submitters, no conflicts (2 of 4 stars). 2 submissions from 2 submitters: Uncertain significance (2). Last evaluated 2024-03-29.

Conditions:
Early-infantile DEE. Also called: Early infantile epileptic encephalopathy with suppression bursts; Ohtahara syndrome; Early infantile epileptic encephalopathy. Identifiers: Orphanet 1934, MedGen C0393706, MONDO:0800491.

Allele frequency attached by ClinVar (database versions not stated): gnomAD exomes below 0.00001 and 0.00001.
gnomAD v4.1: 1 of 1,566,852 alleles (0.000064%); highest among the groups gnomAD compares: Admixed American, 0.0019%; no homozygotes.

Submissions (2):

GeneDx
Classification: Uncertain significance. Last evaluated: 2024-03-29. Review status: criteria provided, single submitter. Criteria: GeneDx Variant Classification Process June 2021. Collection method: clinical testing. Allele origin: germline. Affected: yes.
Comment: In silico analysis supports that this missense variant has a deleterious effect on protein structure/function; In silico analysis supports a deleterious effect on splicing; Has not been previously published as pathogenic or benign to our knowledge

Labcorp Genetics (formerly Invitae), Labcorp
Classification: Uncertain significance for Early-infantile DEE. Last evaluated: 2022-07-12. Review status: criteria provided, single submitter. Criteria: Invitae Variant Classification Sherloc (09022015). Collection method: clinical testing. Allele origin: germline.
Comment: This sequence change replaces arginine, which is basic and polar, with glycine, which is neutral and non-polar, at codon 406 of the KCNQ2 protein (p.Arg406Gly). The frequency data for this variant in the population databases is considered unreliable, as metrics indicate poor data quality at this position in the gnomAD database. This variant has not been reported in the literature in individuals affected with KCNQ2-related conditions. ClinVar contains an entry for this variant (Variation ID: 452880). Algorithms developed to predict the effect of missense changes on protein structure and function (SIFT, PolyPhen-2, Align-GVGD) all suggest that this variant is likely to be disruptive. Algorithms developed to predict the effect of sequence changes on RNA splicing suggest that this variant may disrupt the consensus splice site. In summary, the available evidence is currently insufficient to determine the role of this variant in disease. Therefore, it has been classified as a Variant of Uncertain Significance.

NM_172107.4(KCNQ2):c.1216A>G (p.Arg406Gly)

Gene: KCNQ2 (potassium voltage-gated channel subfamily Q member 2; minus strand). Cytogenetic location: 20q13.33.
Variant type: single nucleotide variant.
Coding change: c.1216A>G on transcript NM_172107.4 (MANE Select); coding-DNA position 1216, A replaced by G.
Protein change: p.Arg406Gly; replaces arginine 406 with glycine.
Molecular consequence: missense variant.
Genome position (GRCh38, 1-based): chr20:63,428,368, T>C on the plus strand (A>G on the coding strand, the complement: KCNQ2 is on the minus strand). VCF-style: chr20-63428368-T-C. GRCh37 (hg19) VCF-style: chr20-62059721-T-C.
Other names: c.1186A>G, p.Arg396Gly (NM_004518.6); c.1216A>G, p.Arg406Gly (NM_172106.3, NM_172108.5); short protein forms R406G, R396G.
Identifiers: ClinVar variation 452880 (VCV000452880.11), dbSNP rs1240338507, ClinGen allele CA409649727.
Genomic context (GRCh38, chr20:63,428,368, plus strand): 5'-CTGGGGCCCCCAGGAGGACTGAGACGCCCACCCGCCCCACCTGGAGCTCCCCAGCTGACC[T>C]GAAAGCGAGTCCAGATTTACTCTTGAGGTTCCTCAGCAGCTCCAGCTGGTTCAGCGGGGG-3'
Protein context (NP_742105.1, residues 396-416): NLKSKSGLAF[Arg406Gly]KDPPPEPSPS